The following is an entry in ClinVar:

ClinVar aggregate classification (germline): Uncertain significance (1 of 4 stars; one submission).

Conditions:
Renal coloboma syndrome (PAPRS). Also called: OPTIC COLOBOMA, VESICOURETERAL REFLUX, AND RENAL ANOMALIES; OPTIC NERVE COLOBOMA WITH RENAL DISEASE; RENAL-COLOBOMA SYNDROME WITH MACULAR ABNORMALITIES; CONGENITAL ANOMALIES OF THE KIDNEY AND URINARY TRACT WITH OR WITHOUT OCULAR ABNORMALITIES; CAKUT WITH OR WITHOUT OCULAR ABNORMALITIES; PAPILLORENAL SYNDROME WITH MILD OCULAR ABNORMALITIES. Identifiers: Orphanet 1475, MedGen C1852759, MONDO:0007352, OMIM 120330.
Focal segmental glomerulosclerosis 7 (FSGS7). Identifiers: Orphanet 656, MedGen C4014925, MONDO:0014451, OMIM 616002.

Submission:

Labcorp Genetics (formerly Invitae), Labcorp
Classification: Uncertain significance for Renal coloboma syndrome; Focal segmental glomerulosclerosis 7. Last evaluated: 2021-09-15. Review status: criteria provided, single submitter. Criteria: Invitae Variant Classification Sherloc (09022015). Collection method: clinical testing. Allele origin: germline.
Comment: In summary, the available evidence is currently insufficient to determine the role of this variant in disease. Therefore, it has been classified as a Variant of Uncertain Significance. Experimental studies and prediction algorithms are not available or were not evaluated, and the functional significance of this variant is currently unknown. This variant has not been reported in the literature in individuals affected with PAX2-related conditions. This variant is not present in population databases (ExAC no frequency). This sequence change replaces proline with serine at codon 363 of the PAX2 protein (p.Pro363Ser). The proline residue is weakly conserved and there is a moderate physicochemical difference between proline and serine.

NM_000278.5(PAX2):c.1021+218C>T

Gene: PAX2 (paired box 2; plus strand). Cytogenetic location: 10q24.31.
Variant type: single nucleotide variant.
Coding change: c.1021+218C>T on transcript NM_000278.5 (MANE Select); 218 bases into the intron after coding-DNA position 1021, C replaced by T.
Molecular consequence: intron variant. On other transcripts: missense variant (1).
Genome position (GRCh38, 1-based): chr10:100,824,967, C>T. VCF-style: chr10-100824967-C-T. GRCh37 (hg19) VCF-style: chr10-102584724-C-T.
Other names: c.1087C>T, p.Pro363Ser (NM_003988.5); c.1114+218C>T (NM_001304569.2); c.1090+218C>T (NM_003987.5, NM_003990.5); c.1021+218C>T (NM_003989.5); short protein forms P363S.
Identifiers: ClinVar variation 1413587 (VCV001413587.6), dbSNP rs2133985216, ClinGen allele CA378259868.
Genomic context (GRCh38, chr10:100,824,967, plus strand): 5'-GCAGTTGGTCCCTCATCCTCCCTCATGAGCAAGCCGGGGAGGAAGCTTGCAGAAGTGCCC[C>T]CTTGTGTGCAACCCACTGTATGTCATGGCCCCTCCACAGCGCCCACCCACCCAAGTCTGT-3'